The following is an entry in ClinVar:

ClinVar aggregate classification (germline): Likely pathogenic (1 of 4 stars; one submission).

Conditions:
KBG syndrome (KBGS). Also called: ANKRD11-Related KBG Syndrome. Identifiers: Orphanet 2332, MedGen C0220687, MONDO:0007846, OMIM 148050.

Submission:

Genetics Laboratory, UDIAT-Centre Diagnòstic, Hospital Universitari Parc Tauli
Classification: Likely pathogenic for KBG syndrome. Last evaluated: 2023-07-04. Review status: criteria provided, single submitter. Criteria: ACMG Guidelines, 2015. Collection method: clinical testing. Allele origin: unknown. Inheritance: Autosomal dominant inheritance. Affected: yes.
Comment: PS3_strong;PM2_supporting;PM6_moderate

NM_013275.6(ANKRD11):c.745-10T>A

Gene: ANKRD11 (ankyrin repeat domain 11; minus strand). Cytogenetic location: 16q24.3.
Variant type: single nucleotide variant.
Coding change: c.745-10T>A on transcript NM_013275.6 (MANE Select); 10 bases into the intron before coding-DNA position 745, T replaced by A.
Molecular consequence: intron variant.
Genome position (GRCh38, 1-based): chr16:89,286,196, A>T on the plus strand (T>A on the coding strand, the complement: ANKRD11 is on the minus strand). VCF-style: chr16-89286196-A-T. GRCh37 (hg19) VCF-style: chr16-89352604-A-T.
Other names: c.745-10T>A (NM_001256183.2, NM_001256182.2).
Identifiers: ClinVar variation 3897589 (VCV003897589.1).
Genomic context (GRCh38, chr16:89,286,196, plus strand): 5'-CCTGTTGCTCTGCTGCGGGTTCCCTCCGTACCGCAGCAGCAGCTTCACCACCTACAAGAC[A>T]GTAACACCCGCGTCAGGGACTGCTGGAGAAGCACAACTCCTCTACCGTTCCGCATAACAC-3'